The following is an entry in ClinVar:

NC_000003.12:g.48595347G>A

Gene: COL7A1 (collagen type VII alpha 1 chain; minus strand). Cytogenetic location: 3p21.31.
Variant type: single nucleotide variant.
Genome position: GRCh38 VCF-style: chr3-48595347-G-A. GRCh37 (hg19) VCF-style: chr3-48632780-G-A.
Identifiers: ClinVar variation 1012377 (VCV001012377.3), dbSNP rs2046013117, ClinGen allele CA1363089969.
Genomic context (GRCh38, chr3:48,595,347, plus strand): 5'-CGCCGCCGCCGCTGCAGTCTCTCGGGCAGAGCAGAGAAAAGTCCCTGATCTCGGGGGGCG[G>A]AGCGGCAGGCGGGAACCCAGGCACCCGCCCTCACCCATATCCCTGAGAGGTCGCCGCCCC-3'

ClinVar aggregate classification (germline): Pathogenic. Review status: criteria provided, single submitter (1 of 4 stars). 2 submissions from 2 submitters: Pathogenic (1). 1 of the submissions does not count toward it. Last evaluated 2022-03-10.

Conditions:
Epidermolysis bullosa dystrophica. Also called: Dystrophic epidermolysis bullosa, Hallopeau-Siemens type (formerly); Dystrophic epidermolysis bullosa. Identifiers: Orphanet 303, MedGen C0079294, MONDO:0006543.

Allele frequency attached by ClinVar (database versions not stated): gnomAD exomes below 0.00001.

Submissions (2):

GeneDx
Classification: Pathogenic. Last evaluated: 2022-03-10. Review status: criteria provided, single submitter. Criteria: GeneDx Variant Classification Process June 2021. Collection method: clinical testing. Allele origin: germline. Affected: yes.
Comment: Promoter variant in a gene for which loss-of-function is a known mechanism of disease; transcript analysis supports that this variant abolishes transcription by disrupting the binding site for the Sp1 transcription factor consistent with a null allele (Gardella et al., 2000); No data available from control populations to assess the frequency of this variant; This variant is associated with the following publications: (PMID: 10980546)

Biomedical Innovation Departament, CIEMAT
Classification: Pathogenic for Dystrophic epidermolysis bullosa. Last evaluated: 2018-11-22. Review status: no assertion criteria provided. Collection method: research. Allele origin: germline. Affected: yes. Observed: 3 variant alleles. Not counted in ClinVar's aggregate classification.

Literature cited by the submitters: PubMed 10980546 (cited by Biomedical Innovation Departament, CIEMAT).